The following is an entry in ClinVar:

ClinVar aggregate classification (germline): Likely benign (1 of 4 stars; one submission).

gnomAD v4.1: 8,406 of 1,614,028 alleles (0.52%); highest among the groups gnomAD compares: Non-Finnish European, 0.67%; 32 homozygotes.

Submission:

CeGaT Center for Human Genetics Tuebingen
Classification: Likely benign. Last evaluated: 2024-10-01. Review status: criteria provided, single submitter. Criteria: CeGaT Center For Human Genetics Tuebingen Variant Classification Criteria Version 2. Collection method: clinical testing. Allele origin: germline. Affected: yes. Observed: 1 variant allele.
Comment: ZNF488: BS2

NM_153034.4(ZNF488):c.865G>A (p.Asp289Asn)

Gene: ZNF488 (zinc finger protein 488; minus strand). Cytogenetic location: 10q11.22.
Variant type: single nucleotide variant.
Coding change: c.865G>A on transcript NM_153034.4 (MANE Select); coding-DNA position 865, G replaced by A.
Protein change: p.Asp289Asn; replaces aspartic acid 289 with asparagine.
Molecular consequence: missense variant.
Genome position (GRCh38, 1-based): chr10:47,367,965, C>T on the plus strand (G>A on the coding strand, the complement: ZNF488 is on the minus strand). VCF-style: chr10-47367965-C-T. GRCh37 (hg19) VCF-style: chr10-48371397-G-A.
Other names: c.865G>A, p.Asp289Asn (NM_001346932.2, NM_001346933.2, NM_001346934.2 and 2 more transcripts); short protein forms D289N.
Identifiers: ClinVar variation 3387922 (VCV003387922.14).
Genomic context (GRCh38, chr10:47,367,965, plus strand): 5'-AATGTGGGTCAGGCCCCGCATGCTCCTTTTTGTGGTGGGATCGCATGTGAAAGACCAGGT[C>T]GGACGTTAGGCGAAAGGACAGGTTGCACTTTGCACACCAGTTCTGGGTGGACAAGCCCAG-3'
Protein context (NP_694579.1, residues 279-299): KCNLSFRLTS[Asp289Asn]LVFHMRSHHK